The following is an entry in ClinVar:

ClinVar aggregate classification (germline): Likely pathogenic (1 of 4 stars; one submission).

Submission:

Labcorp Genetics (formerly Invitae), Labcorp
Classification: Likely pathogenic. Last evaluated: 2023-09-20. Review status: criteria provided, single submitter. Criteria: Invitae Variant Classification Sherloc (09022015). Collection method: clinical testing. Allele origin: germline.
Comment: In summary, the currently available evidence indicates that the variant is pathogenic, but additional data are needed to prove that conclusively. Therefore, this variant has been classified as Likely Pathogenic. Algorithms developed to predict the effect of sequence changes on RNA splicing suggest that this variant may disrupt the consensus splice site. ClinVar contains an entry for this variant (Variation ID: 2099217). This variant has not been reported in the literature in individuals affected with COL7A1-related conditions. This variant is not present in population databases (gnomAD no frequency). This sequence change affects a donor splice site in intron 38 of the COL7A1 gene. It is expected to disrupt RNA splicing. Variants that disrupt the donor or acceptor splice site typically lead to a loss of protein function (PMID: 16199547), and loss-of-function variants in COL7A1 are known to be pathogenic (PMID: 16971478).

Literature cited by the submitters: PubMed 16199547; PubMed 16971478.

NM_000094.4(COL7A1):c.4278+2T>C

Gene: COL7A1 (collagen type VII alpha 1 chain; minus strand). Cytogenetic location: 3p21.31.
Variant type: single nucleotide variant.
Coding change: c.4278+2T>C on transcript NM_000094.4 (MANE Select); the canonical splice donor site of the intron after coding-DNA position 4278, T replaced by C.
Molecular consequence: splice donor variant.
Genome position (GRCh38, 1-based): chr3:48,583,898, A>G on the plus strand (T>C on the coding strand, the complement: COL7A1 is on the minus strand). VCF-style: chr3-48583898-A-G. GRCh37 (hg19) VCF-style: chr3-48621331-A-G.
Identifiers: ClinVar variation 2099217 (VCV002099217.4), dbSNP rs2531154707, ClinGen allele CA352693919.